The following is an entry in ClinVar:

ClinVar aggregate classification (germline): Pathogenic (1 of 4 stars; one submission).

Submission:

GeneDx
Classification: Pathogenic. Last evaluated: 2025-02-07. Review status: criteria provided, single submitter. Criteria: GeneDx Variant Classification Process June 2021. Collection method: clinical testing. Allele origin: germline. Affected: yes.
Comment: Frameshift variant predicted to result in protein truncation or nonsense mediated decay in a gene for which loss of function is a known mechanism of disease; Not observed at significant frequency in large population cohorts (gnomAD); Has not been previously published as pathogenic or benign to our knowledge

NM_001114753.3(ENG):c.732dup (p.Gly245fs)

Gene: ENG (endoglin; minus strand). Cytogenetic location: 9q34.11.
Variant type: Duplication.
Coding change: c.732dup on transcript NM_001114753.3 (MANE Select); coding-DNA position 732, one base duplicated (C; older notation c.732dupC).
Protein change: p.Gly245fs; shifts the reading frame from glycine 245.
Molecular consequence: frameshift variant.
Genome position (GRCh38, 1-based): chr9:127,825,315, G duplicated on the plus strand (C on the coding strand, the reverse complement: ENG is on the minus strand); the first of 3 consecutive G bases (chr9:127,825,315-127,825,317); duplicating any one gives the same sequence. VCF-style (leftmost placement, unchanged base first): chr9-127825314-C-CG. GRCh37 (hg19) VCF-style: chr9-130587593-C-CG.
Other names: c.732dupC (NM_000118.2); c.730dup, p.Gly245Argfs (NM_000118.4, NM_001406715.1); c.186dup, p.Gly63fs (NM_001278138.2); c.732dup (NM_000118.2); short protein forms G245fs, G63fs.
Identifiers: ClinVar variation 450481 (VCV000450481.5), dbSNP rs1554810254, ClinGen allele CA658656036.